The following is an entry in ClinVar:

ClinVar aggregate classification (germline): Conflicting classifications of pathogenicity. Review status: criteria provided, conflicting classifications (1 of 4 stars). 2 submissions from 2 submitters: Uncertain significance (1); Likely benign (1). Last evaluated 2026-04-13.

Conditions:
PCNT-related disorder. Also called: PCNT-related condition.
Inborn genetic diseases. Identifiers: MedGen C0950123, MeSH D030342.

Allele frequency attached by ClinVar (database versions not stated): gnomAD exomes 0.00001.
gnomAD v4.1: 18 of 1,613,970 alleles (0.0011%); highest among the groups gnomAD compares: Middle Eastern, 0.016%; no homozygotes.

Submissions (2):

PreventionGenetics, part of Exact Sciences
Classification: Uncertain significance for PCNT-related condition. Last evaluated: 2026-04-13. Review status: criteria provided, single submitter. Criteria: ACMG Guidelines, 2015. Collection method: clinical testing. Allele origin: germline.
Comment: The PCNT c.349T>C variant is predicted to result in the amino acid substitution p.Cys117Arg. To our knowledge, this variant has not been reported in the literature. This variant is reported in 0.0056% of alleles in individuals of Latino descent in gnomAD. At this time, the clinical significance of this variant is uncertain due to the absence of conclusive functional and genetic evidence.

Ambry Genetics
Classification: Likely benign for Inborn genetic diseases. Last evaluated: 2024-11-25. Review status: criteria provided, single submitter. Criteria: Ambry Variant Classification Scheme 2023. Collection method: clinical testing. Allele origin: germline.

NM_006031.6(PCNT):c.349T>C (p.Cys117Arg)

Gene: PCNT (pericentrin; plus strand). Cytogenetic location: 21q22.3.
Variant type: single nucleotide variant.
Coding change: c.349T>C on transcript NM_006031.6 (MANE Select); coding-DNA position 349, T replaced by C.
Protein change: p.Cys117Arg; replaces cysteine 117 with arginine.
Molecular consequence: missense variant. On other transcripts: 5 prime UTR variant (1).
Genome position (GRCh38, 1-based): chr21:46,334,478, T>C. VCF-style: chr21-46334478-T-C. GRCh37 (hg19) VCF-style: chr21-47754392-T-C.
Other names: c.-6T>C (NM_001315529.2); short protein forms C117R.
Identifiers: ClinVar variation 2634091 (VCV002634091.3), dbSNP rs910342423, ClinGen allele CA322000719.
Genomic context (GRCh38, chr21:46,334,478, plus strand): 5'-AAGAGAGAGGACTTGGAACAGCTGCAGCAGAAGCAAGTCAATGACCATCCTCCAGAGCAG[T>C]GTGGGATGTTCACAGTCAGTGACCACCCACCAGAACAGCATGGGATGTTCACAGTCGGTG-3'
Protein context (NP_006022.3, residues 107-127): KQVNDHPPEQ[Cys117Arg]GMFTVSDHPP